The following is an entry in ClinVar:

ClinVar aggregate classification (germline): Benign/Likely benign. Review status: criteria provided, multiple submitters, no conflicts (2 of 4 stars). 3 submissions from 3 submitters: Benign (1); Likely benign (2). Last evaluated 2026-09-18.

Conditions:
Colorectal cancer, hereditary nonpolyposis, type 7. Identifiers: Orphanet 144, MedGen C1858380, MONDO:0013725, OMIM 614385.

Allele frequency attached by ClinVar (database versions not stated): TOPMed 0.00001; ExAC 0.00001; gnomAD exomes 0.00001.

Submissions (3):

Myriad Genetics, Inc.
Classification: Benign for Colorectal cancer, hereditary nonpolyposis, type 7. Last evaluated: 2026-09-18. Review status: criteria provided, single submitter. Criteria: Myriad Autosomal Dominant, Autosomal Recessive and X-Linked Classification Criteria (2023). Collection method: clinical testing. Allele origin: unknown.
Comment: This variant is considered benign. This variant is a silent/synonymous amino acid change and it is not expected to impact splicing.

Labcorp Genetics (formerly Invitae), Labcorp
Classification: Likely benign for Colorectal cancer, hereditary nonpolyposis, type 7. Last evaluated: 2024-12-02. Review status: criteria provided, single submitter. Criteria: Invitae Variant Classification Sherloc (09022015). Collection method: clinical testing. Allele origin: germline.

Ambry Genetics
Classification: Likely benign. Last evaluated: 2019-06-22. Review status: criteria provided, single submitter. Criteria: Ambry Variant Classification Scheme 2023. Collection method: clinical testing. Allele origin: germline.

NM_001040108.2(MLH3):c.1368A>G (p.Pro456=)

Gene: MLH3 (mutL homolog 3; minus strand). Cytogenetic location: 14q24.3.
Variant type: single nucleotide variant.
Coding change: c.1368A>G on transcript NM_001040108.2 (MANE Select); coding-DNA position 1368, A replaced by G.
Protein change: p.Pro456=; no amino-acid change (proline 456 retained).
Molecular consequence: synonymous variant.
Genome position (GRCh38, 1-based): chr14:75,048,288, T>C on the plus strand (A>G on the coding strand, the complement: MLH3 is on the minus strand). VCF-style: chr14-75048288-T-C. GRCh37 (hg19) VCF-style: chr14-75514991-T-C.
Other names: c.1368A>G, p.Pro456= (NM_014381.3).
Identifiers: ClinVar variation 1770962 (VCV001770962.5), dbSNP rs763378087, ClinGen allele CA7275889.